The following is an entry in ClinVar:

NM_001165963.4(SCN1A):c.5080T>C (p.Tyr1694His)

Genes: SCN1A (sodium voltage-gated channel alpha subunit 1; minus strand), LOC102724058 (uncharacterized LOC102724058; plus strand). Cytogenetic location: 2q24.3.
Variant type: single nucleotide variant.
Coding change: c.5080T>C on transcript NM_001165963.4 (MANE Select); coding-DNA position 5080, T replaced by C.
Protein change: p.Tyr1694His; replaces tyrosine 1694 with histidine.
Molecular consequence: missense variant. On other transcripts: non-coding transcript variant (1).
Genome position (GRCh38, 1-based): chr2:165,992,195, A>G on the plus strand (T>C on the coding strand, the complement: SCN1A is on the minus strand). VCF-style: chr2-165992195-A-G. GRCh37 (hg19) VCF-style: chr2-166848705-A-G.
Other names: c.4996T>C, p.Tyr1666His (NM_001165964.3, NM_001353957.2, NM_001353958.2); c.5080T>C, p.Tyr1694His (NM_001202435.3, NM_001353948.2); c.5047T>C, p.Tyr1683His (NM_001353949.2, NM_001353950.2, NM_001353951.2 and 2 more transcripts); c.5044T>C, p.Tyr1682His (NM_001353954.2, NM_001353955.2); c.4993T>C, p.Tyr1665His (NM_001353960.2); c.2638T>C, p.Tyr880His (NM_001353961.2); short protein forms Y880H, Y1665H, Y1666H, Y1682H, Y1683H, Y1694H.
Identifiers: ClinVar variation 3572879 (VCV003572879.2).

ClinVar aggregate classification (germline): Likely pathogenic (1 of 4 stars; one submission).

Conditions:
Severe myoclonic epilepsy in infancy (DRVT). Also called: Dravet syndrome; SEVERE MYOCLONIC EPILEPSY OF INFANCY; DEVELOPMENTAL AND EPILEPTIC ENCEPHALOPATHY 6A; Severe Myoclonic Epilepsy in Infancy (SMEI); Epileptic encephalopathy, early infantile, 6 (Dravet syndrome). Identifiers: Orphanet 33069, MedGen C0751122, MONDO:0100135, OMIM 607208.

Submission:

Institute of Human Genetics, University of Leipzig Medical Center
Classification: Likely pathogenic for Severe myoclonic epilepsy in infancy. Last evaluated: 2024-12-04. Review status: criteria provided, single submitter. Criteria: ACMG Guidelines, 2015. Collection method: clinical testing. Allele origin: unknown. Inheritance: Autosomal dominant inheritance. Affected: yes.
Comment: Criteria applied: PM5_STR,PM2,PP3_MOD